The following is an entry in ClinVar:

NM_001291088.2(WDR87):c.8279A>G (p.Glu2760Gly)

Gene: WDR87 (WD repeat domain 87; minus strand). Cytogenetic location: 19q13.13.
Variant type: single nucleotide variant.
Coding change: c.8279A>G on transcript NM_001291088.2 (MANE Select); coding-DNA position 8279, A replaced by G.
Protein change: p.Glu2760Gly; replaces glutamic acid 2760 with glycine.
Molecular consequence: missense variant.
Genome position (GRCh38, 1-based): chr19:37,885,392, T>C on the plus strand (A>G on the coding strand, the complement: WDR87 is on the minus strand). VCF-style: chr19-37885392-T-C. GRCh37 (hg19) VCF-style: chr19-38376032-T-C.
Other names: c.8162A>G (NM_031951.3); c.8162A>G, p.Glu2721Gly (NM_031951.5); short protein forms E2721G, E2760G.
Identifiers: ClinVar variation 3257219 (VCV003257219.18).

ClinVar aggregate classification (germline): Uncertain significance. Review status: criteria provided, multiple submitters, no conflicts (2 of 4 stars). 2 submissions from 2 submitters: Uncertain significance (2). Last evaluated 2025-02-09.

gnomAD v4.1: 2 of 1,551,854 alleles (0.00013%); highest among the groups gnomAD compares: African/African-American, 0.0014%; no homozygotes.

Submissions (2):

Ambry Genetics
Classification: Uncertain significance. Last evaluated: 2025-02-09. Review status: criteria provided, single submitter. Criteria: Ambry Variant Classification Scheme 2023. Collection method: clinical testing. Allele origin: germline.

CeGaT Center for Human Genetics Tuebingen
Classification: Uncertain significance. Last evaluated: 2024-07-01. Review status: criteria provided, single submitter. Criteria: CeGaT Center For Human Genetics Tuebingen Variant Classification Criteria Version 2. Collection method: clinical testing. Allele origin: germline. Affected: yes. Observed: 1 variant allele.
Comment: WDR87: PM2, PP2, BP4